The following is an entry in ClinVar:

NM_001113378.2(FANCI):c.3521C>G (p.Thr1174Arg)

Gene: FANCI (FA complementation group I; plus strand). Cytogenetic location: 15q26.1.
Variant type: single nucleotide variant.
Coding change: c.3521C>G on transcript NM_001113378.2 (MANE Select); coding-DNA position 3521, C replaced by G.
Protein change: p.Thr1174Arg; replaces threonine 1174 with arginine.
Molecular consequence: missense variant.
Genome position (GRCh38, 1-based): chr15:89,306,178, C>G. VCF-style: chr15-89306178-C-G. GRCh37 (hg19) VCF-style: chr15-89849409-C-G.
Other names: c.3242C>G, p.Thr1081Arg (NM_001376910.1); c.3521C>G, p.Thr1174Arg (NM_001376911.1); c.3341C>G, p.Thr1114Arg (NM_018193.3); short protein forms T1114R, T1174R, T1081R.
Identifiers: ClinVar variation 961949 (VCV000961949.11), dbSNP rs757106031, ClinGen allele CA7723738.
Genomic context (GRCh38, chr15:89,306,178, plus strand): 5'-CATCAGGCAGCTGTGTGGACACCTTGTTAAAGGACTTGTGCAAAATGTACACCACACTTA[C>G]AGCCCTTGTCAGATATGTGAGTATTTGAGACAAGCAGATTCGCCCCACCATTCTACCCCA-3'
Protein context (NP_001106849.1, residues 1164-1184): KDLCKMYTTL[Thr1174Arg]ALVRYYLQVC

ClinVar aggregate classification (germline): Uncertain significance. Review status: criteria provided, multiple submitters, no conflicts (2 of 4 stars). 2 submissions from 2 submitters: Uncertain significance (2). Last evaluated 2025-01-19.

Conditions:
Fanconi anemia (FA). Also called: Fanconi's anemia. Identifiers: Orphanet 84, MedGen C0015625, MeSH D005199, MONDO:0019391.
Fanconi anemia complementation group I (FANCI). Also called: FANCI-Related Fanconi Anemia. Identifiers: Orphanet 84, MedGen C1836861, MONDO:0012186, OMIM 609053.

Allele frequency attached by ClinVar (database versions not stated): TOPMed below 0.00001; gnomAD 0.00001; gnomAD exomes 0.00001; ExAC 0.00002.
gnomAD v4.1: 6 of 1,614,060 alleles (0.00037%); highest among the groups gnomAD compares: Non-Finnish European, 0.00051%; no homozygotes.

Submissions (2):

Labcorp Genetics (formerly Invitae), Labcorp
Classification: Uncertain significance for Fanconi anemia. Last evaluated: 2025-01-19. Review status: criteria provided, single submitter. Criteria: Invitae Variant Classification Sherloc (09022015). Collection method: clinical testing. Allele origin: germline.
Comment: This sequence change replaces threonine, which is neutral and polar, with arginine, which is basic and polar, at codon 1174 of the FANCI protein (p.Thr1174Arg). This variant is present in population databases (rs757106031, gnomAD 0.003%). This missense change has been observed in individual(s) with myelodysplastic syndrome (PMID: 37216690). ClinVar contains an entry for this variant (Variation ID: 961949). Invitae Evidence Modeling of protein sequence and biophysical properties (such as structural, functional, and spatial information, amino acid conservation, physicochemical variation, residue mobility, and thermodynamic stability) indicates that this missense variant is expected to disrupt FANCI protein function with a positive predictive value of 80%. In summary, the available evidence is currently insufficient to determine the role of this variant in disease. Therefore, it has been classified as a Variant of Uncertain Significance.

Fulgent Genetics
Classification: Uncertain significance for Fanconi anemia complementation group I. Last evaluated: 2024-01-25. Review status: criteria provided, single submitter. Criteria: ACMG Guidelines, 2015. Collection method: clinical testing. Allele origin: germline.

Literature cited by the submitters: PubMed 37216690 (cited by Labcorp Genetics (formerly Invitae), Labcorp).